The following is an entry in ClinVar:

ClinVar aggregate classification (germline): Pathogenic (1 of 4 stars; one submission).

Conditions:
Duchenne muscular dystrophy (DMD). Also called: MUSCULAR DYSTROPHY, PSEUDOHYPERTROPHIC PROGRESSIVE, DUCHENNE TYPE; Duchenne Muscular Dystrophy (DMD). Identifiers: Orphanet 98896, MedGen C0013264, MONDO:0010679, OMIM 310200.

Submission:

Labcorp Genetics (formerly Invitae), Labcorp
Classification: Pathogenic for Duchenne muscular dystrophy. Last evaluated: 2017-07-27. Review status: criteria provided, single submitter. Criteria: Invitae Variant Classification Sherloc (09022015). Collection method: clinical testing. Allele origin: germline.
Comment: This variant is an in-frame deletion of the genomic region encompassing exons 45-55 of the DMD gene. It preserves the integrity of the reading frame. This variant has been reported in several individuals affected with Duchenne or Becker muscular dystrophy (PMID: 22090376, 11257468, 26911353, 18752307, 20683981,Â¬â€ 16030524) and in individuals affected with dilated cardiomyopathy (PMID: 18261911). For these reasons, this variant has been classified as Pathogenic.

NC_000023.11:g.(?_31627653)_(31968534_?)del

Genes: DMD (dystrophin; minus strand), LOC129391296 (MPRA-validated peak7373 silencer; plus strand). Cytogenetic location: Xp21.1.
Variant type: Deletion.
Identifiers: ClinVar variation 455803 (VCV000455803.1).